The following is an entry in ClinVar:

ClinVar aggregate classification (germline): Uncertain significance (1 of 4 stars; one submission).

Allele frequency attached by ClinVar (database versions not stated): gnomAD exomes below 0.00001.
gnomAD v4.1: 1 of 1,611,828 alleles (0.000062%); highest among the groups gnomAD compares: Non-Finnish European, 0.000085%; no homozygotes.

Submission:

GeneDx
Classification: Uncertain significance. Last evaluated: 2016-01-14. Review status: criteria provided, single submitter. Criteria: GeneDx Variant Classification (06012015). Collection method: clinical testing. Allele origin: germline. Affected: yes.
Comment: p.Ile943Val (ATT>GTT): c.2827 A>G in exon 21 of the CACNA1C gene (NM_000719.6). The Ile943Val variant in the CACNA1C gene has not been reported as a disease-causing mutation or as a benign polymorphism to our knowledge. Although Ile943Val results in a conservative amino acid substitution, this occurs at a position that is highly conserved across species. However, there have been no nearby mutations reported in association with LQTS/Timothy syndrome, indicating this region of the protein may be tolerant of change. One in silico analysis program predicts Ile943Val is benign to the protein structure/function, while another predicts it is pathogenic. The Ile943Val variant was not observed in approximately 6000 individuals of European and African American ancestry in the NHLBI Exome Sequencing Project, indicating it is not a common benign variant in these populations. In summary, with the clinical and molecular information available at this time, we cannot definitively determine if Ile943Val is a disease-causing mutation or a rare benign variant. The variant is found in LQT panel(s).

NM_000719.7(CACNA1C):c.2827A>G (p.Ile943Val)

Gene: CACNA1C (calcium voltage-gated channel subunit alpha1 C; plus strand). Cytogenetic location: 12p13.33.
Variant type: single nucleotide variant.
Coding change: c.2827A>G on transcript NM_000719.7 (MANE Select); coding-DNA position 2827, A replaced by G.
Protein change: p.Ile943Val; replaces isoleucine 943 with valine.
Molecular consequence: missense variant. On other transcripts: intron variant (8).
Genome position (GRCh38, 1-based): chr12:2,597,263, A>G. VCF-style: chr12-2597263-A-G. GRCh37 (hg19) VCF-style: chr12-2706429-A-G.
Other names: p.I943V:ATT>GTT; c.2827A>G, p.Ile943Val (NM_001129827.2, NM_001129829.2, NM_001129831.2 and 10 more transcripts); c.2818A>G, p.Ile940Val (NM_001129844.2); c.2794-174A>G (NM_001129840.2, NM_001129836.2, NM_001129841.2 and 5 more transcripts); short protein forms I943V, I940V.
Identifiers: ClinVar variation 190658 (VCV000190658.2), dbSNP rs786205757, ClinGen allele CA301433.